The following is an entry in ClinVar:

NM_001723.7(DST):c.3385A>G (p.Thr1129Ala)

Gene: DST (dystonin; minus strand). Cytogenetic location: 6p12.1.
Variant type: single nucleotide variant.
Coding change: c.3385A>G on transcript NM_001723.7 (MANE Plus Clinical); coding-DNA position 3385, A replaced by G.
Protein change: p.Thr1129Ala; replaces threonine 1129 with alanine.
Molecular consequence: missense variant. On other transcripts: intron variant (10).
Genome position (GRCh38, 1-based): chr6:56,620,649, T>C on the plus strand (A>G on the coding strand, the complement: DST is on the minus strand). VCF-style: chr6-56620649-T-C. GRCh37 (hg19) VCF-style: chr6-56485447-T-C.
Other names: c.4830+3881A>G (NM_001144769.5); c.4929+3881A>G (NM_001374722.1, NM_001374736.1); c.4956+3881A>G (NM_001374734.1); c.4416+3881A>G (NM_001144770.2); c.4296+3881A>G (NM_001374730.1, NM_001386100.1, NM_183380.4 and 1 more transcripts); c.3318+3881A>G (NM_015548.5); short protein forms T1129A.
Identifiers: ClinVar variation 947430 (VCV000947430.10), dbSNP rs1373421698, ClinGen allele CA364572027.
Genomic context (GRCh38, chr6:56,620,649, plus strand): 5'-CAGCTACCATTCTTTCCAACTCACTTATCTTTCCTGTAAGTTTGCTATTCTCAAGCACTG[T>C]TGCCTTCTGACGCTGAAGCAGATCTGAATATGCCCCATGTTCAGAAGTCTCCTTACACCT-3'
Protein context (NP_001714.1, residues 1119-1139): YSDLLQRQKA[Thr1129Ala]VLENSKLTGK

ClinVar aggregate classification (germline): Uncertain significance. Review status: criteria provided, multiple submitters, no conflicts (2 of 4 stars). 2 submissions from 2 submitters: Uncertain significance (2). Last evaluated 2024-05-30.

Conditions:
Hereditary sensory and autonomic neuropathy type 6. Also called: HSAN VI; Neuropathy, hereditary sensory and autonomic, type VI. Identifiers: Orphanet 314381, MedGen C3539003, MONDO:0013839, OMIM 614653.
Epidermolysis bullosa simplex 3, localized or generalized intermediate, with BP230 deficiency (EBS3). Also called: Epidermolysis bullosa simplex due to BP230 deficiency; Epidermolysis bullosa simplex, autosomal recessive 2. Identifiers: Orphanet 412181, MedGen C3809470, MONDO:0014180, OMIM 615425.

Allele frequency attached by ClinVar (database versions not stated): gnomAD exomes below 0.00001; gnomAD 0.00001; TOPMed 0.00002.
gnomAD v4.1: 3 of 1,614,102 alleles (0.00019%); highest among the groups gnomAD compares: Non-Finnish European, 0.00025%; no homozygotes.

Submissions (2):

GeneDx
Classification: Uncertain significance. Last evaluated: 2024-05-30. Review status: criteria provided, single submitter. Criteria: GeneDx Variant Classification Process June 2021. Collection method: clinical testing. Allele origin: germline. Affected: yes.
Comment: Not observed at significant frequency in large population cohorts (gnomAD); In silico analysis indicates that this missense variant does not alter protein structure/function; Has not been previously published as pathogenic or benign to our knowledge

Labcorp Genetics (formerly Invitae), Labcorp
Classification: Uncertain significance for Epidermolysis bullosa simplex 3, localized or generalized intermediate, with BP230 deficiency; Hereditary sensory and autonomic neuropathy type 6. Last evaluated: 2021-05-31. Review status: criteria provided, single submitter. Criteria: Invitae Variant Classification Sherloc (09022015). Collection method: clinical testing. Allele origin: germline.
Comment: This sequence change replaces threonine with alanine at codon 1129 of the DST protein (p.Thr1129Ala). The threonine residue is weakly conserved and there is a small physicochemical difference between threonine and alanine. This variant is not present in population databases (ExAC no frequency). This variant has not been reported in the literature in individuals with DST-related conditions. Algorithms developed to predict the effect of missense changes on protein structure and function are either unavailable or do not agree on the potential impact of this missense change (SIFT: "Deleterious"; PolyPhen-2: "Possibly Damaging"; Align-GVGD: "Class C0"). In summary, the available evidence is currently insufficient to determine the role of this variant in disease. Therefore, it has been classified as a Variant of Uncertain Significance.